The following is an entry in ClinVar:

NM_152564.5(VPS13B):c.11656G>A (p.Val3886Ile)

Gene: VPS13B (vacuolar protein sorting 13 homolog B; plus strand). Cytogenetic location: 8q22.2.
Variant type: single nucleotide variant.
Coding change: c.11656G>A on transcript NM_152564.5 (MANE Select); coding-DNA position 11656, G replaced by A.
Protein change: p.Val3886Ile; replaces valine 3886 with isoleucine.
Molecular consequence: missense variant.
Genome position (GRCh38, 1-based): chr8:99,871,608, G>A. VCF-style: chr8-99871608-G-A. GRCh37 (hg19) VCF-style: chr8-100883836-G-A.
Other names: c.11731G>A, p.Val3911Ile (NM_017890.5); c.11656G>A (NM_152564.4); c.11731G>A (NM_017890.3); short protein forms V3886I.
Identifiers: ClinVar variation 167837 (VCV000167837.41), dbSNP rs141793014, ClinGen allele CA235249.

ClinVar aggregate classification (germline): Conflicting classifications of pathogenicity. Review status: criteria provided, conflicting classifications (1 of 4 stars). 8 submissions from 8 submitters: Uncertain significance (4); Likely benign (3). 1 of the submissions does not count toward it. Last evaluated 2026-09-02.

Conditions:
VPS13B-related disorder. Also called: VPS13B-related condition.
Inborn genetic diseases. Identifiers: MedGen C0950123, MeSH D030342.
Cohen syndrome (COH1). Also called: Cutis verticis gyrata, retinitis pigmentosa, and sensorineural deafness; PEPPER SYNDROME. Identifiers: Orphanet 193, MedGen C0265223, MONDO:0008999, OMIM 216550.

Allele frequency attached by ClinVar (database versions not stated): gnomAD 0.00016 and 0.00015; 1000 Genomes Project 0.00020; gnomAD exomes 0.00008 and 0.00006; ExAC 0.00012; TOPMed 0.00017; 1000 Genomes Project 30x 0.00031; ESP Exome Variant Server 0.00038.
gnomAD v4.1: 116 of 1,614,170 alleles (0.0072%); highest among the groups gnomAD compares: African/African-American, 0.033%; no homozygotes.

Submissions (8):

PreventionGenetics, part of Exact Sciences
Classification: Uncertain significance for VPS13B-related condition. Last evaluated: 2026-09-02. Review status: criteria provided, single submitter. Criteria: ACMG Guidelines, 2015. Collection method: clinical testing. Allele origin: germline.
Comment: The VPS13B c.11656G>A variant is predicted to result in the amino acid substitution p.Val3886Ile. To our knowledge, this variant has not been reported in the literature. This variant is reported in 0.056% of alleles in individuals of African descent in gnomAD, which may be too common to be causative. Although we suspect that this variant may be benign, at this time, the clinical significance of this variant is uncertain due to the absence of conclusive functional and genetic evidence.

Labcorp Genetics (formerly Invitae), Labcorp
Classification: Likely benign for Cohen syndrome. Last evaluated: 2025-12-31. Review status: criteria provided, single submitter. Criteria: Invitae Variant Classification Sherloc (09022015). Collection method: clinical testing. Allele origin: germline.

Blueprint Genetics
Classification: Likely benign. Last evaluated: 2024-08-14. Review status: criteria provided, single submitter. Criteria: ACMG Guidelines, 2015. Collection method: clinical testing. Allele origin: germline.

CeGaT Center for Human Genetics Tuebingen
Classification: Uncertain significance. Last evaluated: 2024-08-01. Review status: criteria provided, single submitter. Criteria: CeGaT Center For Human Genetics Tuebingen Variant Classification Criteria Version 2. Collection method: clinical testing. Allele origin: germline. Affected: yes. Observed: 2 variant alleles.
Comment: VPS13B: PM2, BP4

Ambry Genetics
Classification: Likely benign for Inborn genetic diseases. Last evaluated: 2023-08-02. Review status: criteria provided, single submitter. Criteria: Ambry Variant Classification Scheme 2023. Collection method: clinical testing. Allele origin: germline.

Illumina Laboratory Services, Illumina
Classification: Uncertain significance for Cohen syndrome. Last evaluated: 2018-01-13. Review status: criteria provided, single submitter. Criteria: ICSL Variant Classification Criteria 13 December 2019. Collection method: clinical testing. Allele origin: germline.

Eurofins Ntd Llc (ga)
Classification: Uncertain significance. Last evaluated: 2014-01-23. Review status: criteria provided, single submitter. Criteria: EGL Classification Definitions 2015. Collection method: clinical testing. Allele origin: germline. Observed: 1 variant allele, 1 heterozygote.

Natera, Inc.
Classification: Uncertain significance for Cohen syndrome. Last evaluated: 2020-04-15. Review status: no assertion criteria provided. Collection method: clinical testing. Allele origin: germline. Not counted in ClinVar's aggregate classification.